The following is an entry in ClinVar:

NM_021930.6(RINT1):c.605A>G (p.Gln202Arg)

Gene: RINT1 (RAD50 interactor 1; plus strand). Cytogenetic location: 7q22.3.
Variant type: single nucleotide variant.
Coding change: c.605A>G on transcript NM_021930.6 (MANE Select); coding-DNA position 605, A replaced by G.
Protein change: p.Gln202Arg; replaces glutamine 202 with arginine.
Molecular consequence: missense variant. On other transcripts: 5 prime UTR variant (2), non-coding transcript variant (1), intron variant (1).
Genome position (GRCh38, 1-based): chr7:105,546,999, A>G. VCF-style: chr7-105546999-A-G. GRCh37 (hg19) VCF-style: chr7-105187446-A-G.
Other names: c.371A>G, p.Gln124Arg (NM_001346599.2); c.-415A>G (NM_001346600.2); c.-318A>G (NM_001346601.2); c.-27-3056A>G (NM_001346603.2); short protein forms Q124R, Q202R.
Identifiers: ClinVar variation 3789217 (VCV003789217.1).

ClinVar aggregate classification (germline): Uncertain significance (1 of 4 stars; one submission).

Submission:

Ambry Genetics
Classification: Uncertain significance. Last evaluated: 2024-12-29. Review status: criteria provided, single submitter. Criteria: Ambry Variant Classification Scheme 2023. Collection method: clinical testing. Allele origin: germline.
Comment: The p.Q202R variant (also known as c.605A>G), located in coding exon 5 of the RINT1 gene, results from an A to G substitution at nucleotide position 605. The glutamine at codon 202 is replaced by arginine, an amino acid with highly similar properties. This amino acid position is conserved. In addition, this alteration is predicted to be tolerated by in silico analysis. Based on the available evidence, the clinical significance of this variant remains unclear.